The following is an entry in ClinVar:

NM_000059.4(BRCA2):c.2455C>T (p.Gln819Ter)

Gene: BRCA2 (BRCA2 DNA repair associated; plus strand). Cytogenetic location: 13q13.1.
Variant type: single nucleotide variant.
Coding change: c.2455C>T on transcript NM_000059.4 (MANE Select); coding-DNA position 2455, C replaced by T.
Protein change: p.Gln819Ter; replaces glutamine 819 with a stop codon.
Molecular consequence: nonsense.
Genome position (GRCh38, 1-based): chr13:32,336,810, C>T. VCF-style: chr13-32336810-C-T. GRCh37 (hg19) VCF-style: chr13-32910947-C-T.
Other names: 2683C>T/Glu819stop; short protein forms Q819*.
Identifiers: ClinVar variation 51290 (VCV000051290.7), dbSNP rs397507629, ClinGen allele CA015343.
Genomic context (GRCh38, chr13:32,336,810, plus strand): 5'-AAAGGTAACAATTATGAATCTGATGTTGAATTAACCAAAAATATTCCCATGGAAAAGAAT[C>T]AAGATGTATGTGCTTTAAATGAAAATTATAAAAACGTTGAGCTGTTGCCACCTGAAAAAT-3'

ClinVar aggregate classification (germline): Pathogenic. Review status: reviewed by expert panel (3 of 4 stars). 2 submissions from 2 submitters: Pathogenic (1). 1 of the submissions does not count toward it. Last evaluated 2016-10-18.

Conditions:
Breast-ovarian cancer, familial, susceptibility to, 2 (BROVCA2). Also called: BRCA2 Hereditary Breast and Ovarian Cancer. Identifiers: Orphanet 145, MedGen C2675520, MONDO:0012933, OMIM 612555. Disease mechanism: loss of function.

Submissions (2):

Evidence-based Network for the Interpretation of Germline Mutant Alleles (ENIGMA)
Classification: Pathogenic for Breast-ovarian cancer, familial, susceptibility to, 2. Last evaluated: 2016-10-18. Review status: reviewed by expert panel. Criteria: ENIGMA BRCA1/2 Classification Criteria (2015). Collection method: curation. Allele origin: germline.
Comment: Variant allele predicted to encode a truncated non-functional protein.

Consortium of Investigators of Modifiers of BRCA1/2 (CIMBA), c/o University of Cambridge
Classification: Pathogenic for Breast-ovarian cancer, familial, susceptibility to, 2. Last evaluated: 2015-10-02. Review status: criteria provided, single submitter. Criteria: CIMBA Mutation Classification guidelines May 2016. Collection method: clinical testing. Allele origin: germline. Not counted in ClinVar's aggregate classification.